The following is an entry in ClinVar:

ClinVar aggregate classification (germline): Benign/Likely benign. Review status: criteria provided, multiple submitters, no conflicts (2 of 4 stars). 6 submissions from 6 submitters: Benign (5); Likely benign (1). Last evaluated 2024-11-27.

Conditions:
Thrombocytopenia. Identifiers: MedGen C0040034, MeSH D013921, MONDO:0002049, HP:0001873.

Allele frequency attached by ClinVar (database versions not stated): 1000 Genomes Project 0.50459; 1000 Genomes Project 30x 0.51218; gnomAD exomes 0.59033 and 0.62503; ExAC 0.59108; TOPMed 0.59279; gnomAD 0.60102 and 0.60781; ESP Exome Variant Server 0.61625.
gnomAD v4.1: 1,003,739 of 1,613,170 alleles (62%); highest among the groups gnomAD compares: Non-Finnish European, 65%; 315,882 homozygotes.

Submissions (6):

Blueprint Genetics
Classification: Likely benign. Last evaluated: 2024-11-27. Review status: criteria provided, single submitter. Criteria: ACMG Guidelines, 2015. Collection method: clinical testing. Allele origin: germline.

Mayo Clinic Laboratories, Mayo Clinic
Classification: Benign. Last evaluated: 2022-09-29. Review status: criteria provided, single submitter. Criteria: ACMG Guidelines, 2015. Collection method: clinical testing. Allele origin: germline. Observed: 1,070 variant alleles.

GeneDx
Classification: Benign. Last evaluated: 2021-06-09. Review status: criteria provided, single submitter. Criteria: GeneDx Variant Classification Process June 2021. Collection method: clinical testing. Allele origin: germline. Affected: yes.

Illumina Laboratory Services, Illumina
Classification: Benign for Thrombocytopenia. Last evaluated: 2018-01-12. Review status: criteria provided, single submitter. Criteria: ICSL Variant Classification Criteria 13 December 2019. Collection method: clinical testing. Allele origin: germline.
Comment: This variant was observed in the ICSL laboratory as part of a predisposition screen in an ostensibly healthy population. It had not been previously curated by ICSL or reported in the Human Gene Mutation Database (HGMD: prior to June 1st, 2018), and was therefore a candidate for classification through an automated scoring system. Utilizing variant allele frequency, disease prevalence and penetrance estimates, and inheritance mode, an automated score was calculated to assess if this variant is too frequent to cause the disease. Based on the score and internal cut-off values, a variant classified as benign is not then subjected to further curation. The score for this variant resulted in a classification of benign for this disease.

Breakthrough Genomics
Classification: Benign. Review status: criteria provided, single submitter. Criteria: ACMG Guidelines, 2015. Collection method: not provided. Allele origin: germline. Inheritance: Unknown mechanism. Affected: yes.

PreventionGenetics, part of Exact Sciences
Classification: Benign. Review status: criteria provided, single submitter. Criteria: ACMG Guidelines, 2015. Collection method: clinical testing. Allele origin: germline.

NM_001172303.3(MASTL):c.1782C>T (p.Ile594=)

Gene: MASTL (microtubule associated serine/threonine kinase like; plus strand). Cytogenetic location: 10p12.1.
Variant type: single nucleotide variant.
Coding change: c.1782C>T on transcript NM_001172303.3 (MANE Select); coding-DNA position 1782, C replaced by T.
Protein change: p.Ile594=; no amino-acid change (isoleucine 594 retained).
Molecular consequence: synonymous variant. On other transcripts: non-coding transcript variant (1).
Genome position (GRCh38, 1-based): chr10:27,170,741, C>T. VCF-style: chr10-27170741-C-T. GRCh37 (hg19) VCF-style: chr10-27459670-C-T.
Other names: p.Ile594=; c.1782C>T, p.Ile594= (NM_001172304.3, NM_001320756.2, NM_001320757.2 and 1 more transcripts); c.1299C>T, p.Ile433= (NM_001372029.1, NM_001372030.1).
Identifiers: ClinVar variation 262115 (VCV000262115.10), dbSNP rs1981296, ClinGen allele CA5450282.